The following is an entry in ClinVar:

NM_005535.3(IL12RB1):c.1447G>T (p.Val483Phe)

Gene: IL12RB1 (interleukin 12 receptor subunit beta 1; minus strand). Cytogenetic location: 19p13.11.
Variant type: single nucleotide variant.
Coding change: c.1447G>T on transcript NM_005535.3 (MANE Select); coding-DNA position 1447, G replaced by T.
Protein change: p.Val483Phe; replaces valine 483 with phenylalanine.
Molecular consequence: missense variant.
Genome position (GRCh38, 1-based): chr19:18,066,578, C>A on the plus strand (G>T on the coding strand, the complement: IL12RB1 is on the minus strand). VCF-style: chr19-18066578-C-A. GRCh37 (hg19) VCF-style: chr19-18177388-C-A.
Other names: c.1447G>T, p.Val483Phe (NM_001290023.2); c.1567G>T, p.Val523Phe (NM_001290024.2); short protein forms V483F, V523F.
Identifiers: ClinVar variation 2183132 (VCV002183132.2), dbSNP rs745835437, ClinGen allele CA404776599.

ClinVar aggregate classification (germline): Uncertain significance. Review status: criteria provided, multiple submitters, no conflicts (2 of 4 stars). 2 submissions from 2 submitters: Uncertain significance (2). Last evaluated 2025-05-05.

Conditions:
Mendelian susceptibility to mycobacterial diseases due to complete IL12RB1 deficiency. Also called: IL12RB1 DEFICIENCY; Immunodeficiency 30. Identifiers: Orphanet 319552, MedGen C4013949, MONDO:0013955, OMIM 614891.
Inborn genetic diseases. Identifiers: MedGen C0950123, MeSH D030342.

Allele frequency attached by ClinVar (database versions not stated): gnomAD 0.00001; TOPMed 0.00002.

Submissions (2):

Ambry Genetics
Classification: Uncertain significance for Inborn genetic diseases. Last evaluated: 2025-05-05. Review status: criteria provided, single submitter. Criteria: Ambry Variant Classification Scheme 2023. Collection method: clinical testing. Allele origin: germline.

Labcorp Genetics (formerly Invitae), Labcorp
Classification: Uncertain significance for Mendelian susceptibility to mycobacterial diseases due to complete IL12RB1 deficiency. Last evaluated: 2022-03-31. Review status: criteria provided, single submitter. Criteria: Invitae Variant Classification Sherloc (09022015). Collection method: clinical testing. Allele origin: germline.
Comment: This sequence change replaces valine, which is neutral and non-polar, with phenylalanine, which is neutral and non-polar, at codon 483 of the IL12RB1 protein (p.Val483Phe). This variant is present in population databases (no rsID available, gnomAD 0.008%). This variant has not been reported in the literature in individuals affected with IL12RB1-related conditions. Algorithms developed to predict the effect of missense changes on protein structure and function are either unavailable or do not agree on the potential impact of this missense change (SIFT: "Deleterious"; PolyPhen-2: "Probably Damaging"; Align-GVGD: "Class C0"). In summary, the available evidence is currently insufficient to determine the role of this variant in disease. Therefore, it has been classified as a Variant of Uncertain Significance.